The following is an entry in ClinVar:

ClinVar aggregate classification (germline): Uncertain significance. Review status: criteria provided, multiple submitters, no conflicts (2 of 4 stars). 2 submissions from 2 submitters: Uncertain significance (2). Last evaluated 2024-07-29.

Conditions:
Hereditary cancer-predisposing syndrome. Also called: Tumor predisposition; Neoplastic Syndromes, Hereditary; Hereditary neoplastic syndrome; Hereditary Cancer Syndrome. Identifiers: Orphanet 140162, MedGen C0027672, MeSH D009386, MONDO:0015356.
Lynch syndrome. Identifiers: Orphanet 144, MedGen C4552100, MONDO:0005835. Disease mechanism: loss of function.

Submissions (2):

All of Us Research Program, National Institutes of Health
Classification: Uncertain significance for Lynch syndrome. Last evaluated: 2024-07-29. Review status: criteria provided, single submitter. Criteria: ACMG Guidelines, 2015. Collection method: clinical testing. Allele origin: germline. Inheritance: Autosomal dominant inheritance. Observed: 1 variant allele, 1 heterozygote.
Comment: This variant causes an insertion of three nucleotides in intron 9 of the MSH6 gene. Computational prediction tool is inconclusive regarding the impact of this variant on protein structure and function. To our knowledge, RNA functional studies have not been performed for this variant. This variant has not been reported in individuals affected with MSH6-related disorders in the literature. This variant has not been identified in the general population by the Genome Aggregation Database (gnomAD). The available evidence is insufficient to determine the role of this variant in disease conclusively. Therefore, this variant is classified as a Variant of Uncertain Significance.

This study involves interpretation of variants in research participants for the purpose of population health screening. Participant phenotype was not available at the time of variant classification. Additional details can be found in publication PMID: 35346344, PMCID: PMC8962531

Color Diagnostics, LLC DBA Color Health
Classification: Uncertain significance for Hereditary cancer-predisposing syndrome. Last evaluated: 2024-07-18. Review status: criteria provided, single submitter. Criteria: ACMG Guidelines, 2015. Collection method: clinical testing. Allele origin: germline.
Comment: This variant causes an insertion of three nucleotides in intron 9 of the MSH6 gene. Computational prediction tool is inconclusive regarding the impact of this variant on protein structure and function. To our knowledge, RNA functional studies have not been performed for this variant. This variant has not been reported in individuals affected with MSH6-related disorders in the literature. This variant has not been identified in the general population by the Genome Aggregation Database (gnomAD). The available evidence is insufficient to determine the role of this variant in disease conclusively. Therefore, this variant is classified as a Variant of Uncertain Significance.

NM_000179.3(MSH6):c.4002-11_4002-10insAAT

Gene: MSH6 (mutS homolog 6; plus strand). Cytogenetic location: 2p16.3.
Variant type: Insertion.
Coding change: c.4002-11_4002-10insAAT on transcript NM_000179.3 (MANE Select); 11 bases into the intron before coding-DNA position 4002 through 10 bases into the intron before coding-DNA position 4002, AAT inserted.
Molecular consequence: intron variant.
Genome position: GRCh38 VCF-style: chr2-47806767-T-TTAA. GRCh37 (hg19) VCF-style: chr2-48033906-T-TTAA.
Other names: c.3096-11_3096-10insAAT (NM_001281493.2, NM_001281494.2); c.3612-11_3612-10insAAT (NM_001281492.2).
Identifiers: ClinVar variation 631106 (VCV000631106.7), dbSNP rs1558395369, ClinGen allele CA532705577.